The following is an entry in ClinVar:

NM_000179.3(MSH6):c.3942A>G (p.Gln1314=)

Gene: MSH6 (mutS homolog 6; plus strand). Cytogenetic location: 2p16.3.
Variant type: single nucleotide variant.
Coding change: c.3942A>G on transcript NM_000179.3 (MANE Select); coding-DNA position 3942, A replaced by G.
Protein change: p.Gln1314=; no amino-acid change (glutamine 1314 retained).
Molecular consequence: synonymous variant.
Genome position (GRCh38, 1-based): chr2:47,806,592, A>G. VCF-style: chr2-47806592-A-G. GRCh37 (hg19) VCF-style: chr2-48033731-A-G.
Other names: c.3552A>G, p.Gln1184= (NM_001281492.2); c.3036A>G, p.Gln1012= (NM_001281493.2, NM_001281494.2).
Identifiers: ClinVar variation 455310 (VCV000455310.23), dbSNP rs768042560, ClinGen allele CA072347.
Genomic context (GRCh38, chr2:47,806,592, plus strand): 5'-TCCTAAAAGCTATGGCTTTAATGCAGCAAGGCTTGCTAATCTCCCAGAGGAAGTTATTCA[A>G]AAGGGACATAGAAAAGCAAGAGAATTTGAGAAGATGAATCAGTCACTACGATTATTTCGG-3'
Protein context (NP_000170.1, residues 1304-1324): RLANLPEEVI[Gln1314=]KGHRKAREFE

ClinVar aggregate classification (germline): Conflicting classifications of pathogenicity. Review status: criteria provided, conflicting classifications (1 of 4 stars). 6 submissions from 6 submitters: Uncertain significance (1); Benign (1); Likely benign (4). Last evaluated 2025-12-03.

Conditions:
Hereditary nonpolyposis colorectal neoplasms. Identifiers: MedGen C0009405, MeSH D003123.
Hereditary cancer-predisposing syndrome. Also called: Hereditary Cancer Syndrome; Hereditary neoplastic syndrome; Neoplastic Syndromes, Hereditary; Tumor predisposition. Identifiers: Orphanet 140162, MedGen C0027672, MeSH D009386, MONDO:0015356.
Lynch syndrome 5 (LYNCH5). Also called: Hereditary non-polyposis colorectal cancer, type 5; Colorectal cancer, hereditary nonpolyposis, type 5. Identifiers: Orphanet 144, MedGen C1833477, MONDO:0013710, OMIM 614350. Disease mechanism: loss of function.

Allele frequency attached by ClinVar (database versions not stated): ExAC 0.00001; gnomAD exomes 0.00001 and 0.00002; TOPMed 0.00002; gnomAD 0.00003 and 0.00004.

Submissions (6):

Labcorp Genetics (formerly Invitae), Labcorp
Classification: Likely benign for Hereditary nonpolyposis colorectal neoplasms. Last evaluated: 2025-12-03. Review status: criteria provided, single submitter. Criteria: Invitae Variant Classification Sherloc (09022015). Collection method: clinical testing. Allele origin: germline.

Myriad Genetics, Inc.
Classification: Benign for Lynch syndrome 5. Last evaluated: 2025-01-08. Review status: criteria provided, single submitter. Criteria: Myriad Autosomal Dominant, Autosomal Recessive and X-Linked Classification Criteria (2023). Collection method: clinical testing. Allele origin: unknown.
Comment: This variant is considered benign. This variant is a silent/synonymous amino acid change and it is not expected to impact splicing.

Sema4
Classification: Likely benign for Hereditary cancer-predisposing syndrome. Last evaluated: 2022-02-24. Review status: criteria provided, single submitter. Criteria: Sema4 Curation Guidelines. Collection method: curation. Allele origin: germline.

Color Diagnostics, LLC DBA Color Health
Classification: Likely benign for Hereditary cancer-predisposing syndrome. Last evaluated: 2018-07-09. Review status: criteria provided, single submitter. Criteria: ACMG Guidelines, 2015. Collection method: clinical testing. Allele origin: germline.

Illumina Laboratory Services, Illumina
Classification: Uncertain significance for Lynch syndrome 5. Last evaluated: 2018-01-12. Review status: criteria provided, single submitter. Criteria: ICSL Variant Classification Criteria 13 December 2019. Collection method: clinical testing. Allele origin: germline.

Ambry Genetics
Classification: Likely benign for Hereditary cancer-predisposing syndrome. Last evaluated: 2015-06-28. Review status: criteria provided, single submitter. Criteria: Ambry Variant Classification Scheme 2023. Collection method: clinical testing. Allele origin: germline.